The following is an entry in ClinVar:

NC_000022.11:g.(?_40346510)_(40353137_?)dup

Gene: ADSL (adenylosuccinate lyase; plus strand). Cytogenetic location: 22q13.1.
Variant type: Duplication.
Identifiers: ClinVar variation 830969 (VCV000830969.5).

ClinVar aggregate classification (germline): Uncertain significance (1 of 4 stars; one submission).

Conditions:
Adenylosuccinate lyase deficiency (ADSLD). Also called: ADSL DEFICIENCY. Identifiers: Orphanet 46, MedGen C0268126, MONDO:0007068, OMIM 103050.

Submission:

Labcorp Genetics (formerly Invitae), Labcorp
Classification: Uncertain significance for Adenylosuccinate lyase deficiency. Last evaluated: 2019-10-16. Review status: criteria provided, single submitter. Criteria: Invitae Variant Classification Sherloc (09022015). Collection method: clinical testing. Allele origin: germline.
Comment: This variant results in a copy number gain of the genomic region encompassing exons 1-3 of the ADSL gene, which includes the initiator codon. The 5' end of this event is unknown as it extends beyond the assayed region for this gene and therefore may encompass additional genes. The 3' boundary is likely confined to intron 3 of the ADSL gene. As the precise location of this event is unknown, it may be in tandem or it may be located elsewhere in the genome. This variant has not been reported in the literature in individuals with ADSL-related conditions. In summary, the available evidence is currently insufficient to determine the role of this variant in disease. Therefore, it has been classified as a Variant of Uncertain Significance.